The following is an entry in ClinVar:

NM_016507.4(CDK12):c.839A>G (p.Lys280Arg)

Genes: CDK12 (cyclin dependent kinase 12; plus strand), LOC126862553 (CDK7 strongly-dependent group 2 enhancer GRCh37_chr17:37618166-37619365; plus strand). Cytogenetic location: 17q12.
Variant type: single nucleotide variant.
Coding change: c.839A>G on transcript NM_016507.4 (MANE Select); coding-DNA position 839, A replaced by G.
Protein change: p.Lys280Arg; replaces lysine 280 with arginine.
Molecular consequence: missense variant.
Genome position (GRCh38, 1-based): chr17:39,462,910, A>G. VCF-style: chr17-39462910-A-G. GRCh37 (hg19) VCF-style: chr17-37619163-A-G.
Other names: c.839A>G, p.Lys280Arg (NM_015083.4); short protein forms K280R.
Identifiers: ClinVar variation 4224197 (VCV004224197.1).

ClinVar aggregate classification (germline): Uncertain significance (1 of 4 stars; one submission).

gnomAD v4.1: 1 of 1,614,186 alleles (0.000062%); highest among the groups gnomAD compares: Non-Finnish European, 0.000085%; no homozygotes.

Submission:

Ambry Genetics
Classification: Uncertain significance. Last evaluated: 2025-06-20. Review status: criteria provided, single submitter. Criteria: Ambry Variant Classification Scheme 2023. Collection method: clinical testing. Allele origin: germline.
Comment: The p.K280R variant (also known as c.839A>G), located in coding exon 1 of the CDK12 gene, results from an A to G substitution at nucleotide position 839. The lysine at codon 280 is replaced by arginine, an amino acid with highly similar properties. This amino acid position is conserved. In addition, this alteration is predicted to be tolerated by in silico analysis. Based on the available evidence, the clinical significance of this variant remains unclear.